The following is an entry in ClinVar:

NM_001318852.2(MAPK8IP3):c.2906C>T (p.Ala969Val)

Gene: MAPK8IP3 (mitogen-activated protein kinase 8 interacting protein 3; plus strand). Cytogenetic location: 16p13.3.
Variant type: single nucleotide variant.
Coding change: c.2906C>T on transcript NM_001318852.2 (MANE Select); coding-DNA position 2906, C replaced by T.
Protein change: p.Ala969Val; replaces alanine 969 with valine.
Molecular consequence: missense variant.
Genome position (GRCh38, 1-based): chr16:1,766,615, C>T. VCF-style: chr16-1766615-C-T. GRCh37 (hg19) VCF-style: chr16-1816616-C-T.
Other names: c.2885C>T, p.Ala962Val (NM_001040439.2); c.2903C>T, p.Ala968Val (NM_015133.5, NM_033392.3); short protein forms A962V, A968V, A969V.
Identifiers: ClinVar variation 3234851 (VCV003234851.1), dbSNP rs1165377992, ClinGen allele CA394236771.

ClinVar aggregate classification (germline): Uncertain significance (1 of 4 stars; one submission).

Conditions:
Neurodevelopmental disorder with or without variable brain abnormalities; NEDBA. Also called: NEURODEVELOPMENTAL DISORDER WITH OR WITHOUT VARIABLE BRAIN ABNORMALITIES. Identifiers: MedGen C5193102, MONDO:0032755, OMIM 618443.

Allele frequency attached by ClinVar (database versions not stated): gnomAD exomes 0.00001; TOPMed 0.00001.
gnomAD v4.1: 12 of 1,612,462 alleles (0.00074%); highest among the groups gnomAD compares: Non-Finnish European, 0.001%; no homozygotes.

Submission:

Neuberg Centre For Genomic Medicine, NCGM
Classification: Uncertain significance for Neurodevelopmental disorder with or without variable brain abnormalities; NEDBA. Review status: criteria provided, single submitter. Criteria: ACMG Guidelines, 2015. Collection method: clinical testing. Allele origin: germline. Inheritance: Autosomal dominant inheritance. Affected: yes.
Comment: The missense variant c.2906C>T p.Ala969Val in MAPK8IP3 gene has not been reported previously as a pathogenic variant nor as a benign variant, to our knowledge. The p.Ala969Val variant is novel not in any individuals in gnomAD Exomes and 1000 Genomes. The amino acid Alanine at position 969 is changed to a Valine changing protein sequence and it might alter its composition and physico-chemical properties. The residue is conserved by GERP++ and PhyloP across 100 vertebrates. For these reasons, this variant has been classified as Uncertain Significance.